The following is an entry in ClinVar:

ClinVar aggregate classification (germline): Uncertain significance (1 of 4 stars; one submission).

Conditions:
Cardiovascular phenotype. Identifiers: MedGen CN230736.

gnomAD v4.1: 2 of 1,613,854 alleles (0.00012%); highest among the groups gnomAD compares: Non-Finnish European, 0.00017%; no homozygotes.

Submission:

Ambry Genetics
Classification: Uncertain significance for Cardiovascular phenotype. Last evaluated: 2024-07-30. Review status: criteria provided, single submitter. Criteria: Ambry Variant Classification Scheme 2023. Collection method: clinical testing. Allele origin: germline.
Comment: The p.E1776K variant (also known as c.5326G>A), located in coding exon 21 of the AKAP9 gene, results from a G to A substitution at nucleotide position 5326. The glutamic acid at codon 1776 is replaced by lysine, an amino acid with similar properties. This amino acid position is conserved. In addition, this alteration is predicted to be tolerated by in silico analysis. Based on the available evidence, the clinical significance of this variant remains unclear.

NM_005751.5(AKAP9):c.5326G>A (p.Glu1776Lys)

Gene: AKAP9 (A-kinase anchoring protein 9; plus strand). Cytogenetic location: 7q21.2.
Variant type: single nucleotide variant.
Coding change: c.5326G>A on transcript NM_005751.5 (MANE Select); coding-DNA position 5326, G replaced by A.
Protein change: p.Glu1776Lys; replaces glutamic acid 1776 with lysine.
Molecular consequence: missense variant.
Genome position (GRCh38, 1-based): chr7:92,045,171, G>A. VCF-style: chr7-92045171-G-A. GRCh37 (hg19) VCF-style: chr7-91674485-G-A.
Other names: c.5326G>A, p.Glu1776Lys (NM_147185.3); short protein forms E1776K.
Identifiers: ClinVar variation 3516248 (VCV003516248.1).